The following is an entry in ClinVar:

NM_020774.4(MIB1):c.2953T>C (p.Cys985Arg)

Gene: MIB1 (MIB E3 ubiquitin protein ligase 1; plus strand). Cytogenetic location: 18q11.2.
Variant type: single nucleotide variant.
Coding change: c.2953T>C on transcript NM_020774.4 (MANE Select); coding-DNA position 2953, T replaced by C.
Protein change: p.Cys985Arg; replaces cysteine 985 with arginine.
Molecular consequence: missense variant.
Genome position (GRCh38, 1-based): chr18:21,864,598, T>C. VCF-style: chr18-21864598-T-C. GRCh37 (hg19) VCF-style: chr18-19444559-T-C.
Other names: short protein forms C985R.
Identifiers: ClinVar variation 1798088 (VCV001798088.2), dbSNP rs1015393809, ClinGen allele CA401798103.

ClinVar aggregate classification (germline): Uncertain significance (1 of 4 stars; one submission).

Conditions:
Inborn genetic diseases. Identifiers: MedGen C0950123, MeSH D030342.

gnomAD v4.1: 2 of 1,613,552 alleles (0.00012%); highest among the groups gnomAD compares: South Asian, 0.0011%; no homozygotes.

Submission:

Ambry Genetics
Classification: Uncertain significance for Inborn genetic diseases. Last evaluated: 2021-12-16. Review status: criteria provided, single submitter. Criteria: Ambry Variant Classification Scheme 2023. Collection method: clinical testing. Allele origin: germline.
Comment: The p.C985R variant (also known as c.2953T>C), located in coding exon 21 of the MIB1 gene, results from a T to C substitution at nucleotide position 2953. The cysteine at codon 985 is replaced by arginine, an amino acid with highly dissimilar properties. This amino acid position is conserved. In addition, this alteration is predicted to be deleterious by in silico analysis. Since supporting evidence is limited at this time, the clinical significance of this alteration remains unclear.